The following is an entry in ClinVar:

ClinVar aggregate classification (germline): Conflicting classifications of pathogenicity. Review status: criteria provided, conflicting classifications (1 of 4 stars). 4 submissions from 4 submitters: Uncertain significance (2); Benign (1); Likely benign (1). Last evaluated 2025-11-28.

Conditions:
Cardiovascular phenotype. Identifiers: MedGen CN230736.
Capillary malformation-arteriovenous malformation syndrome. Also called: Capillary malformation-arteriovenous malformation. Identifiers: Orphanet 137667, MedGen C1842180, MONDO:0012016.

Allele frequency attached by ClinVar (database versions not stated): gnomAD 0.00006 and 0.00005; ExAC 0.00016; gnomAD exomes 0.00010 and 0.00011; TOPMed 0.00006.
gnomAD v4.1: 161 of 1,599,488 alleles (0.01%); highest among the groups gnomAD compares: Non-Finnish European, 0.013%; no homozygotes.

Submissions (4):

Labcorp Genetics (formerly Invitae), Labcorp
Classification: Uncertain significance for Capillary malformation-arteriovenous malformation syndrome. Last evaluated: 2025-11-28. Review status: criteria provided, single submitter. Criteria: Invitae Variant Classification Sherloc (09022015). Collection method: clinical testing. Allele origin: germline.
Comment: This sequence change replaces alanine, which is neutral and non-polar, with glycine, which is neutral and non-polar, at codon 470 of the RASA1 protein (p.Ala470Gly). This variant is present in population databases (rs199894378, gnomAD 0.02%). This variant has not been reported in the literature in individuals affected with RASA1-related conditions. ClinVar contains an entry for this variant (Variation ID: 533453). An algorithm developed to predict the effect of missense changes on protein structure and function (PolyPhen-2) suggests that this variant is likely to be tolerated. In summary, the available evidence is currently insufficient to determine the role of this variant in disease. Therefore, it has been classified as a Variant of Uncertain Significance.

Mayo Clinic Laboratories, Mayo Clinic
Classification: Uncertain significance. Last evaluated: 2025-03-21. Review status: criteria provided, single submitter. Criteria: ACMG Guidelines, 2015. Collection method: clinical testing. Allele origin: germline. Observed: 1 variant allele.
Comment: BP4

Blueprint Genetics
Classification: Likely benign. Last evaluated: 2024-10-16. Review status: criteria provided, single submitter. Criteria: ACMG Guidelines, 2015. Collection method: clinical testing. Allele origin: germline.

Ambry Genetics
Classification: Benign for Cardiovascular phenotype. Last evaluated: 2024-02-26. Review status: criteria provided, single submitter. Criteria: Ambry Variant Classification Scheme 2023. Collection method: clinical testing. Allele origin: germline.

NM_002890.3(RASA1):c.1409C>G (p.Ala470Gly)

Genes: CCNH (cyclin H; minus strand), RASA1 (RAS p21 protein activator 1; plus strand). Cytogenetic location: 5q14.3.
Variant type: single nucleotide variant.
Coding change: c.1409C>G on transcript NM_002890.3 (MANE Select); coding-DNA position 1409, C replaced by G.
Protein change: p.Ala470Gly; replaces alanine 470 with glycine.
Molecular consequence: missense variant. On other transcripts: intron variant (1).
Genome position (GRCh38, 1-based): chr5:87,362,627, C>G. VCF-style: chr5-87362627-C-G. GRCh37 (hg19) VCF-style: chr5-86658444-C-G.
Other names: p.Ala470Gly; c.878C>G, p.Ala293Gly (NM_022650.3); c.933+32417G>C (NM_001364075.2); short protein forms A470G, A293G.
Identifiers: ClinVar variation 533453 (VCV000533453.9), dbSNP rs199894378, ClinGen allele CA3335744.
Genomic context (GRCh38, chr5:87,362,627, plus strand): 5'-TCAATGACACAGTGGATGGCAAGGAAATCTATAATACCATCCGTCGTAAAACAAAGGATG[C>G]CTTTTATAAAAACATTGTTAAGAAAGGTTATCTTCTGAAAAAGGGTAAGTTCAGACTTTT-3'
Protein context (NP_002881.1, residues 460-480): YNTIRRKTKD[Ala470Gly]FYKNIVKKGY